The following is an entry in ClinVar:

NM_003280.3(TNNC1):c.20C>T (p.Ala7Val)

Gene: TNNC1 (troponin C1, slow skeletal and cardiac type; minus strand). Cytogenetic location: 3p21.1.
Variant type: single nucleotide variant.
Coding change: c.20C>T on transcript NM_003280.3 (MANE Select); coding-DNA position 20, C replaced by T.
Protein change: p.Ala7Val; replaces alanine 7 with valine.
Molecular consequence: missense variant.
Genome position (GRCh38, 1-based): chr3:52,453,996, G>A on the plus strand (C>T on the coding strand, the complement: TNNC1 is on the minus strand). VCF-style: chr3-52453996-G-A. GRCh37 (hg19) VCF-style: chr3-52488012-G-A.
Other names: short protein forms A7V.
Identifiers: ClinVar variation 3383907 (VCV003383907.2).

ClinVar aggregate classification (germline): Uncertain significance. Review status: criteria provided, multiple submitters, no conflicts (2 of 4 stars). 2 submissions from 2 submitters: Uncertain significance (2). Last evaluated 2025-04-29.

Conditions:
Cardiomyopathy (CMYO). Also called: Cardiomyopathies. Identifiers: Orphanet 167848, MedGen C0878544, MONDO:0004994, HP:0001638. Inheritance: Various modes of inheritance.

Submissions (2):

Broad Center for Mendelian Genomics, Broad Institute of MIT and Harvard
Classification: Uncertain significance for Cardiomyopathy. Last evaluated: 2025-04-29. Review status: criteria provided, single submitter. Criteria: ACMG Guidelines, 2015. Collection method: research. Allele origin: germline. Inheritance: Autosomal dominant inheritance. Affected: yes.
Comment: The p.Ala7Val variant in TNNC1 has not been previously reported in individuals with cardiomyopathy, and was absent from large population studies. This variant has been reported in ClinVar (VCV003383907.1) and has been interpreted as a variant of uncertain significance by GeneDx. Computational prediction tools and conservation analyses do not provide strong support for or against an impact to the protein. The number of missense variants reported in TNNC1 in the general population is lower than expected, suggesting there is little benign variation in this gene and slightly increasing the possibility that a missense variant in this gene may not be tolerated. In summary, the clinical significance of the p.Ala7Val variant is uncertain. ACMG/AMP Criteria applied: PM2_supporting, PP2 (Richards 2015).

GeneDx
Classification: Uncertain significance. Last evaluated: 2024-05-31. Review status: criteria provided, single submitter. Criteria: GeneDx Variant Classification Process June 2021. Collection method: clinical testing. Allele origin: germline. Affected: yes.
Comment: Has not been previously published as pathogenic or benign to our knowledge; Not observed at significant frequency in large population cohorts (gnomAD); In silico analysis indicates that this missense variant does not alter protein structure/function; In silico analysis supports a deleterious effect on splicing